The following is an entry in ClinVar:

NM_000093.5(COL5A1):c.5137-142C>T

Genes: COL5A1 (collagen type V alpha 1 chain; plus strand), LOC101448202 (uncharacterized LOC101448202; minus strand). Cytogenetic location: 9q34.3.
Variant type: single nucleotide variant.
Coding change: c.5137-142C>T on transcript NM_000093.5 (MANE Select); 142 bases into the intron before coding-DNA position 5137, C replaced by T.
Molecular consequence: intron variant.
Genome position (GRCh38, 1-based): chr9:134,834,829, C>T. VCF-style: chr9-134834829-C-T. GRCh37 (hg19) VCF-style: chr9-137726675-C-T.
Other names: c.5137-142C>T (NM_001278074.1).
Identifiers: ClinVar variation 675530 (VCV000675530.2), dbSNP rs76439190, ClinGen allele CA201113584.

ClinVar aggregate classification (germline): Benign. Review status: criteria provided, multiple submitters, no conflicts (2 of 4 stars). 2 submissions from 2 submitters: Benign (2). Last evaluated 2018-06-14.

Allele frequency attached by ClinVar (database versions not stated): gnomAD exomes 0.00323; 1000 Genomes Project 0.02416; 1000 Genomes Project 30x 0.02545; gnomAD 0.02591 and 0.02791; TOPMed 0.03036.
gnomAD v4.1: 5,712 of 667,532 alleles (0.86%); highest among the groups gnomAD compares: African/African-American, 8.8%; 244 homozygotes.

Submissions (2):

GeneDx
Classification: Benign. Last evaluated: 2018-06-14. Review status: criteria provided, single submitter. Criteria: GeneDx Variant Classification (06012015). Collection method: clinical testing. Allele origin: germline. Affected: yes.
Comment: This variant is considered likely benign or benign based on one or more of the following criteria: it is a conservative change, it occurs at a poorly conserved position in the protein, it is predicted to be benign by multiple in silico algorithms, and/or has population frequency not consistent with disease.

Breakthrough Genomics
Classification: Benign. Review status: criteria provided, single submitter. Criteria: ACMG Guidelines, 2015. Collection method: not provided. Allele origin: germline. Inheritance: Autosomal dominant inheritance. Affected: yes.